The following is an entry in ClinVar:

ClinVar aggregate classification (germline): Likely pathogenic (1 of 4 stars; one submission).

Submission:

GeneDx
Classification: Likely pathogenic. Last evaluated: 2023-07-25. Review status: criteria provided, single submitter. Criteria: GeneDx Variant Classification Process June 2021. Collection method: clinical testing. Allele origin: germline. Affected: yes.
Comment: Initiation codon variant in a gene for which loss of function is a known mechanism of disease; Not observed at significant frequency in large population cohorts (gnomAD); Has not been previously published as pathogenic or benign to our knowledge

NM_014254.3(RXYLT1):c.1A>T (p.Met1Leu)

Gene: RXYLT1 (ribitol xylosyltransferase 1; plus strand). Cytogenetic location: 12q14.2.
Variant type: single nucleotide variant.
Coding change: c.1A>T on transcript NM_014254.3 (MANE Select); coding-DNA position 1, A replaced by T.
Protein change: p.Met1Leu; changes the start codon (methionine 1).
Molecular consequence: missense variant, initiator codon variant. On other transcripts: 5 prime UTR variant (1).
Genome position (GRCh38, 1-based): chr12:63,779,961, A>T. VCF-style: chr12-63779961-A-T. GRCh37 (hg19) VCF-style: chr12-64173741-A-T.
Other names: c.-1113A>T (NM_001278237.2); short protein forms M1L.
Identifiers: ClinVar variation 3252988 (VCV003252988.1), dbSNP rs1897632485.